The following is an entry in ClinVar:

ClinVar aggregate classification (germline): Likely benign. Review status: criteria provided, multiple submitters, no conflicts (2 of 4 stars). 4 submissions from 4 submitters: Likely benign (4). Last evaluated 2025-07-01.

Conditions:
Inborn genetic diseases. Identifiers: MedGen C0950123, MeSH D030342.
Charcot-Marie-Tooth disease type 2. Also called: Charcot-Marie-Tooth type 2. Identifiers: Orphanet 64746, MedGen C0270914, MONDO:0018993.

Allele frequency attached by ClinVar (database versions not stated): gnomAD 0.00004; TOPMed 0.00004; ExAC 0.00003; gnomAD exomes 0.00003 and 0.00010.
gnomAD v4.1: 147 of 1,614,044 alleles (0.0091%); highest among the groups gnomAD compares: Non-Finnish European, 0.012%; no homozygotes.

Submissions (4):

CeGaT Center for Human Genetics Tuebingen
Classification: Likely benign. Last evaluated: 2025-07-01. Review status: criteria provided, single submitter. Criteria: CeGaT Center For Human Genetics Tuebingen Variant Classification Criteria Version 2. Collection method: clinical testing. Allele origin: germline. Affected: yes. Observed: 2 variant alleles.
Comment: AARS1: BP4, BP7

Labcorp Genetics (formerly Invitae), Labcorp
Classification: Likely benign for Charcot-Marie-Tooth disease type 2. Last evaluated: 2025-02-02. Review status: criteria provided, single submitter. Criteria: Invitae Variant Classification Sherloc (09022015). Collection method: clinical testing. Allele origin: germline.

Ambry Genetics
Classification: Likely benign for Inborn genetic diseases. Last evaluated: 2019-07-11. Review status: criteria provided, single submitter. Criteria: Ambry Variant Classification Scheme 2023. Collection method: clinical testing. Allele origin: germline.

GeneDx
Classification: Likely benign. Last evaluated: 2017-06-22. Review status: criteria provided, single submitter. Criteria: GeneDx Variant Classification (06012015). Collection method: clinical testing. Allele origin: germline. Affected: yes.
Comment: This variant is considered likely benign or benign based on one or more of the following criteria: it is a conservative change, it occurs at a poorly conserved position in the protein, it is predicted to be benign by multiple in silico algorithms, and/or has population frequency not consistent with disease.

NM_001605.3(AARS1):c.849T>C (p.Val283=)

Gene: AARS1 (alanyl-tRNA synthetase 1; minus strand). Cytogenetic location: 16q22.1.
Variant type: single nucleotide variant.
Coding change: c.849T>C on transcript NM_001605.3 (MANE Select); coding-DNA position 849, T replaced by C.
Protein change: p.Val283=; no amino-acid change (valine 283 retained).
Molecular consequence: synonymous variant.
Genome position (GRCh38, 1-based): chr16:70,269,731, A>G on the plus strand (T>C on the coding strand, the complement: AARS1 is on the minus strand). VCF-style: chr16-70269731-A-G. GRCh37 (hg19) VCF-style: chr16-70303634-A-G.
Identifiers: ClinVar variation 220481 (VCV000220481.50), dbSNP rs773866431, ClinGen allele CA348409.